The following is an entry in ClinVar:

NM_004385.5(VCAN):c.7940C>T (p.Thr2647Ile)

Genes: VCAN-AS1 (VCAN antisense RNA 1; minus strand), VCAN (versican; plus strand). Cytogenetic location: 5q14.3.
Variant type: single nucleotide variant.
Coding change: c.7940C>T on transcript NM_004385.5 (MANE Select); coding-DNA position 7940, C replaced by T.
Protein change: p.Thr2647Ile; replaces threonine 2647 with isoleucine.
Molecular consequence: missense variant. On other transcripts: intron variant (2).
Genome position (GRCh38, 1-based): chr5:83,540,943, C>T. VCF-style: chr5-83540943-C-T. GRCh37 (hg19) VCF-style: chr5-82836762-C-T.
Other names: c.4979C>T, p.Thr1660Ile (NM_001164097.2); c.4004-4594C>T (NM_001164098.2); c.1043-4594C>T (NM_001126336.3); short protein forms T1660I, T2647I.
Identifiers: ClinVar variation 2712178 (VCV002712178.4), dbSNP rs1561258296, ClinGen allele CA360315846.

ClinVar aggregate classification (germline): Uncertain significance. Review status: criteria provided, multiple submitters, no conflicts (2 of 4 stars). 2 submissions from 2 submitters: Uncertain significance (2). Last evaluated 2024-11-01.

Allele frequency attached by ClinVar (database versions not stated): gnomAD 0.00001.
gnomAD v4.1: 6 of 1,613,938 alleles (0.00037%); highest among the groups gnomAD compares: Non-Finnish European, 0.00034%; no homozygotes.

Submissions (2):

Blueprint Genetics
Classification: Uncertain significance. Last evaluated: 2024-11-01. Review status: criteria provided, single submitter. Criteria: ACMG Guidelines, 2015. Collection method: clinical testing. Allele origin: germline.

Labcorp Genetics (formerly Invitae), Labcorp
Classification: Uncertain significance. Last evaluated: 2022-12-06. Review status: criteria provided, single submitter. Criteria: Invitae Variant Classification Sherloc (09022015). Collection method: clinical testing. Allele origin: germline.
Comment: This sequence change replaces threonine, which is neutral and polar, with isoleucine, which is neutral and non-polar, at codon 2647 of the VCAN protein (p.Thr2647Ile). This variant is not present in population databases (gnomAD no frequency). This variant has not been reported in the literature in individuals affected with VCAN-related conditions. Algorithms developed to predict the effect of missense changes on protein structure and function are either unavailable or do not agree on the potential impact of this missense change (SIFT: "Deleterious"; PolyPhen-2: "Benign"; Align-GVGD: "Class C15"). In summary, the available evidence is currently insufficient to determine the role of this variant in disease. Therefore, it has been classified as a Variant of Uncertain Significance.